The following is an entry in ClinVar:

NM_001844.5(COL2A1):c.544C>T (p.Gln182Ter)

Gene: COL2A1 (collagen type II alpha 1 chain; minus strand). Cytogenetic location: 12q13.11.
Variant type: single nucleotide variant.
Coding change: c.544C>T on transcript NM_001844.5 (MANE Select); coding-DNA position 544, C replaced by T.
Protein change: p.Gln182Ter; replaces glutamine 182 with a stop codon.
Molecular consequence: nonsense.
Genome position (GRCh38, 1-based): chr12:47,996,613, G>A on the plus strand (C>T on the coding strand, the complement: COL2A1 is on the minus strand). VCF-style: chr12-47996613-G-A. GRCh37 (hg19) VCF-style: chr12-48390396-G-A.
Other names: c.337C>T, p.Gln113Ter (NM_033150.3); short protein forms Q182*, Q113*.
Identifiers: ClinVar variation 280680 (VCV000280680.4), dbSNP rs886041843, ClinGen allele CA10603196.
Genomic context (GRCh38, chr12:47,996,613, plus strand): 5'-GTCCTTGCATTACTCCCAACTGGGCGCCACCAGCCTTTTCATCAAATCCTCCAGCCATCT[G>A]GGCAGCAAAGTTCTGCAAAGAAACCCAACAACGTTAGGAGGTTGAAAGGCACTAGGTCTT-3'

ClinVar aggregate classification (germline): Pathogenic. Review status: criteria provided, multiple submitters, no conflicts (2 of 4 stars). 3 submissions from 3 submitters: Pathogenic (3). Last evaluated 2025-09-05.

Conditions:
Stickler syndrome type 1 (STL1). Also called: COL2A1-Related Stickler Syndrome; ARTHROOPHTHALMOPATHY, HEREDITARY PROGRESSIVE; STICKLER SYNDROME, MEMBRANOUS VITREOUS TYPE; STICKLER SYNDROME, VITREOUS TYPE 1. Identifiers: Orphanet 828, Orphanet 90653, MedGen C2020284, MONDO:0007160, OMIM 108300.

gnomAD v4.1: 1 of 1,614,132 alleles (0.000062%); highest among the groups gnomAD compares: Non-Finnish European, 0.000085%; no homozygotes.

Submissions (3):

Labcorp Genetics (formerly Invitae), Labcorp
Classification: Pathogenic. Last evaluated: 2025-09-05. Review status: criteria provided, single submitter. Criteria: Invitae Variant Classification Sherloc (09022015). Collection method: clinical testing. Allele origin: germline.
Comment: This sequence change creates a premature translational stop signal (p.Gln182*) in the COL2A1 gene. It is expected to result in an absent or disrupted protein product. Loss-of-function variants in COL2A1 are known to be pathogenic (PMID: 20179744). This variant is not present in population databases (gnomAD no frequency). This variant has not been reported in the literature in individuals affected with COL2A1-related conditions. ClinVar contains an entry for this variant (Variation ID: 280680). For these reasons, this variant has been classified as Pathogenic.

Clinical Genomics Laboratory, Washington University in St. Louis
Classification: Pathogenic for Stickler syndrome type 1. Last evaluated: 2025-08-12. Review status: criteria provided, single submitter. Criteria: ACMG Guidelines, 2015. Collection method: clinical testing. Allele origin: germline. Affected: yes.
Comment: The COL2A1 c.544C>T (p.Gln182*) variant, to our knowledge, has not been reported in the medical literature. This variant is only observed in 1/1,614,132 total alleles in the general population (gnomAD v.4.1.0), indicating it is not a common variant. This variant causes a premature termination codon, which is predicted to lead to nonsense mediated decay. Additionally, other variants that introduce a premature termination codon in this region have been described in affected individuals and are considered pathogenic (Hoornaert KP et al., PMID: 20179744). Based on available information and the ACMG/AMP guidelines for variant interpretation (Richards S et al., PMID: 25741868), this variant is classified as pathogenic.

GeneDx
Classification: Pathogenic. Last evaluated: 2016-06-28. Review status: criteria provided, single submitter. Criteria: GeneDx Variant Classification (06012015). Collection method: clinical testing. Allele origin: germline. Affected: yes.
Comment: The Q182X pathogenic variant in the COL2A1 gene has not been reported previously as a pathogenic variant nor as a benign variant, to our knowledge. This variant is predicted to cause loss of normal protein function either through protein truncation or nonsense-mediated mRNA decay. The Q182X variant was not observed in approximately 6,500 individuals of European and African American ancestry in the NHLBI Exome Sequencing Project, indicating it is not a common benign variant in these populations. We interpret Q182X as a pathogenic variant.

Literature cited by the submitters: PubMed 20179744 (cited by Labcorp Genetics (formerly Invitae), Labcorp).